The following is an entry in ClinVar:

ClinVar aggregate classification (germline): Uncertain significance (1 of 4 stars; one submission).

gnomAD v4.1: 1 of 1,612,970 alleles (0.000062%); highest among the groups gnomAD compares: Non-Finnish European, 0.000085%; no homozygotes.

Submission:

GeneDx
Classification: Uncertain significance. Last evaluated: 2026-01-30. Review status: criteria provided, single submitter. Criteria: GeneDx Variant Classification Process June 2021. Collection method: clinical testing. Allele origin: germline.
Comment: Not observed at significant frequency in large population cohorts (gnomAD); In silico analysis supports that this missense variant has a deleterious effect on protein structure/function; Has not been previously published as pathogenic or benign to our knowledge

NM_001458.5(FLNC):c.2623C>T (p.Pro875Ser)

Gene: FLNC (filamin C; plus strand). Cytogenetic location: 7q32.1.
Variant type: single nucleotide variant.
Coding change: c.2623C>T on transcript NM_001458.5 (MANE Select); coding-DNA position 2623, C replaced by T.
Protein change: p.Pro875Ser; replaces proline 875 with serine.
Molecular consequence: missense variant.
Genome position (GRCh38, 1-based): chr7:128,843,301, C>T. VCF-style: chr7-128843301-C-T. GRCh37 (hg19) VCF-style: chr7-128483355-C-T.
Other names: c.2623C>T, p.Pro875Ser (NM_001127487.2); short protein forms P875S.
Identifiers: ClinVar variation 4975691 (VCV004975691.1).